The following is an entry in ClinVar:

NM_000390.4(CHM):c.1603G>T (p.Glu535Ter)

Gene: CHM (CHM Rab escort protein; minus strand). Cytogenetic location: Xq21.2.
Variant type: single nucleotide variant.
Coding change: c.1603G>T on transcript NM_000390.4 (MANE Select); coding-DNA position 1603, G replaced by T.
Protein change: p.Glu535Ter; replaces glutamic acid 535 with a stop codon.
Molecular consequence: nonsense.
Genome position (GRCh38, 1-based): chrX:85,878,971, C>A on the plus strand (G>T on the coding strand, the complement: CHM is on the minus strand). VCF-style: chrX-85878971-C-A. GRCh37 (hg19) VCF-style: chrX-85133976-C-A.
Other names: c.1159G>T, p.Glu387Ter (NM_001320959.1, NM_001362517.1, NM_001362518.2 and 1 more transcripts); short protein forms E387*, E535*.
Identifiers: ClinVar variation 2138619 (VCV002138619.4), dbSNP rs2520027760, ClinGen allele CA413787488.

ClinVar aggregate classification (germline): Pathogenic (1 of 4 stars; one submission).

Submission:

Labcorp Genetics (formerly Invitae), Labcorp
Classification: Pathogenic. Last evaluated: 2022-08-07. Review status: criteria provided, single submitter. Criteria: Invitae Variant Classification Sherloc (09022015). Collection method: clinical testing. Allele origin: germline.
Comment: For these reasons, this variant has been classified as Pathogenic. Algorithms developed to predict the effect of sequence changes on RNA splicing suggest that this variant may disrupt the consensus splice site. This premature translational stop signal has been observed in individual(s) with choroideremia (PMID: 12203991). This variant is not present in population databases (gnomAD no frequency). This sequence change creates a premature translational stop signal (p.Glu535*) in the CHM gene. It is expected to result in an absent or disrupted protein product. Loss-of-function variants in CHM are known to be pathogenic (PMID: 9067750, 23811034).

Literature cited by the submitters: PubMed 12203991; PubMed 9067750; PubMed 23811034.